The following is an entry in ClinVar:

ClinVar aggregate classification (germline): Uncertain significance (1 of 4 stars; one submission).

Allele frequency attached by ClinVar (database versions not stated): gnomAD exomes 0.00001 and 0.00002; ExAC 0.00002.
gnomAD v4.1: 6 of 1,612,364 alleles (0.00037%); highest among the groups gnomAD compares: Admixed American, 0.0083%; no homozygotes.

Submission:

Labcorp Genetics (formerly Invitae), Labcorp
Classification: Uncertain significance. Last evaluated: 2022-05-30. Review status: criteria provided, single submitter. Criteria: Invitae Variant Classification Sherloc (09022015). Collection method: clinical testing. Allele origin: germline.
Comment: This sequence change replaces proline, which is neutral and non-polar, with serine, which is neutral and polar, at codon 4539 of the PCLO protein (p.Pro4539Ser). This variant is present in population databases (rs763879358, gnomAD 0.01%). This variant has not been reported in the literature in individuals affected with PCLO-related conditions. ClinVar contains an entry for this variant (Variation ID: 1376365). Algorithms developed to predict the effect of missense changes on protein structure and function are either unavailable or do not agree on the potential impact of this missense change (SIFT: "Deleterious"; PolyPhen-2: "Not Available"; Align-GVGD: "Class C0"). In summary, the available evidence is currently insufficient to determine the role of this variant in disease. Therefore, it has been classified as a Variant of Uncertain Significance.

NM_033026.6(PCLO):c.13615C>T (p.Pro4539Ser)

Gene: PCLO (piccolo presynaptic cytomatrix protein; minus strand). Cytogenetic location: 7q21.11.
Variant type: single nucleotide variant.
Coding change: c.13615C>T on transcript NM_033026.6 (MANE Select); coding-DNA position 13615, C replaced by T.
Protein change: p.Pro4539Ser; replaces proline 4539 with serine.
Molecular consequence: missense variant.
Genome position (GRCh38, 1-based): chr7:82,879,376, G>A on the plus strand (C>T on the coding strand, the complement: PCLO is on the minus strand). VCF-style: chr7-82879376-G-A. GRCh37 (hg19) VCF-style: chr7-82508692-G-A.
Other names: c.13615C>T, p.Pro4539Ser (NM_014510.3); short protein forms P4539S.
Identifiers: ClinVar variation 1376365 (VCV001376365.3), dbSNP rs763879358, ClinGen allele CA4319088.